The following is an entry in ClinVar:

NM_000038.6(APC):c.5360C>T (p.Thr1787Ile)

Gene: APC (APC regulator of Wnt signaling pathway; plus strand). Cytogenetic location: 5q22.2.
Variant type: single nucleotide variant.
Coding change: c.5360C>T on transcript NM_000038.6 (MANE Select); coding-DNA position 5360, C replaced by T.
Protein change: p.Thr1787Ile; replaces threonine 1787 with isoleucine.
Molecular consequence: missense variant. On other transcripts: non-coding transcript variant (2).
Genome position (GRCh38, 1-based): chr5:112,840,954, C>T. VCF-style: chr5-112840954-C-T. GRCh37 (hg19) VCF-style: chr5-112176651-C-T.
Other names: c.5360C>T, p.Thr1787Ile (NM_001127510.3, NM_001354895.2, NM_001407450.1); c.5306C>T, p.Thr1769Ile (NM_001127511.3); c.5414C>T, p.Thr1805Ile (NM_001354896.2, NM_001407447.1, NM_001407448.1 and 1 more transcripts); c.5390C>T, p.Thr1797Ile (NM_001354897.2); c.5285C>T, p.Thr1762Ile (NM_001354898.2); c.5276C>T, p.Thr1759Ile (NM_001354899.2); c.5237C>T, p.Thr1746Ile (NM_001354900.2); c.5183C>T, p.Thr1728Ile (NM_001354901.2, NM_001407453.1); and 12 more; short protein forms T1658I, T1728I, T1787I, T1504I, T1696I, T1746I, T1762I, T1777I.
Identifiers: ClinVar variation 3703483 (VCV003703483.4).
Genomic context (GRCh38, chr5:112,840,954, plus strand): 5'-GTAAGAAAAAGAAACCAACTTCACCAGTAAAACCTATACCACAAAATACTGAATATAGGA[C>T]ACGTGTAAGAAAAAATGCAGACTCAAAAAATAATTTAAATGCTGAGAGAGTTTTCTCAGA-3'
Protein context (NP_000029.2, residues 1777-1797): KPIPQNTEYR[Thr1787Ile]RVRKNADSKN

ClinVar aggregate classification (germline): Uncertain significance. Review status: criteria provided, multiple submitters, no conflicts (2 of 4 stars). 3 submissions from 3 submitters: Uncertain significance (3). Last evaluated 2025-11-30.

Conditions:
Hereditary cancer-predisposing syndrome. Also called: Hereditary neoplastic syndrome; Tumor predisposition; Hereditary Cancer Syndrome; Neoplastic Syndromes, Hereditary. Identifiers: Orphanet 140162, MedGen C0027672, MeSH D009386, MONDO:0015356.
Familial adenomatous polyposis 1 (FAP1). Also called: POLYPOSIS, ADENOMATOUS INTESTINAL; FAMILIAL ADENOMATOUS POLYPOSIS 1, ATTENUATED. Identifiers: MedGen C2713442, MONDO:0021056, OMIM 175100. Disease mechanism: loss of function.

gnomAD v4.1: 1 of 1,613,068 alleles (0.000062%); highest among the groups gnomAD compares: South Asian, 0.0011%; no homozygotes.

Submissions (3):

Ambry Genetics
Classification: Uncertain significance for Hereditary cancer-predisposing syndrome. Last evaluated: 2025-11-30. Review status: criteria provided, single submitter. Criteria: Ambry Variant Classification Scheme 2023. Collection method: clinical testing. Allele origin: germline.
Comment: The p.T1787I variant (also known as c.5360C>T), located in coding exon 15 of the APC gene, results from a C to T substitution at nucleotide position 5360. The threonine at codon 1787 is replaced by isoleucine, an amino acid with similar properties. This amino acid position is conserved. In addition, in silico predictors for this gene do not accurately predict pathogenicity. Based on the available evidence, the clinical significance of this variant remains unclear.

Labcorp Genetics (formerly Invitae), Labcorp
Classification: Uncertain significance for Familial adenomatous polyposis 1. Last evaluated: 2025-10-23. Review status: criteria provided, single submitter. Criteria: Invitae Variant Classification Sherloc (09022015). Collection method: clinical testing. Allele origin: germline.
Comment: This sequence change replaces threonine, which is neutral and polar, with isoleucine, which is neutral and non-polar, at codon 1787 of the APC protein (p.Thr1787Ile). This variant is not present in population databases (gnomAD no frequency). This variant has not been reported in the literature in individuals affected with APC-related conditions. ClinVar contains an entry for this variant (Variation ID: 3703483). Invitae Evidence Modeling of protein sequence and biophysical properties (such as structural, functional, and spatial information, amino acid conservation, physicochemical variation, residue mobility, and thermodynamic stability) indicates that this missense variant is not expected to disrupt APC protein function with a negative predictive value of 95%. In summary, the available evidence is currently insufficient to determine the role of this variant in disease. Therefore, it has been classified as a Variant of Uncertain Significance.

Color Diagnostics, LLC DBA Color Health
Classification: Uncertain significance for Hereditary cancer-predisposing syndrome. Last evaluated: 2025-07-29. Review status: criteria provided, single submitter. Criteria: ACMG Guidelines, 2015. Collection method: clinical testing. Allele origin: germline.
Comment: This missense variant replaces threonine with isoleucine at codon 1787 of the APC protein. Computational prediction suggests that this variant may not impact protein structure and function. To our knowledge, functional studies have not been reported for this variant. This variant has not been reported in individuals affected with APC-related disorders in the literature. This variant has not been identified in the general population by the Genome Aggregation Database (gnomAD). The available evidence is insufficient to determine the role of this variant in disease conclusively. Therefore, this variant is classified as a Variant of Uncertain Significance.